The following is an entry in ClinVar:

ClinVar aggregate classification (germline): Uncertain significance (1 of 4 stars; one submission).

Conditions:
Spastic paraplegia. Identifiers: MedGen C0037772, HP:0001258.

Allele frequency attached by ClinVar (database versions not stated): gnomAD 0.00002; gnomAD exomes 0.00007 and 0.00014; TOPMed 0.00008; ExAC 0.00011.
gnomAD v4.1: 43 of 1,613,880 alleles (0.0027%); highest among the groups gnomAD compares: Admixed American, 0.072%; no homozygotes.

Submission:

Labcorp Genetics (formerly Invitae), Labcorp
Classification: Uncertain significance for Spastic paraplegia. Last evaluated: 2025-10-09. Review status: criteria provided, single submitter. Criteria: Invitae Variant Classification Sherloc (09022015). Collection method: clinical testing. Allele origin: germline.
Comment: This sequence change replaces alanine, which is neutral and non-polar, with threonine, which is neutral and polar, at codon 103 of the VAMP1 protein (p.Ala103Thr). This variant is present in population databases (rs772852206, gnomAD 0.1%). This variant has not been reported in the literature in individuals affected with VAMP1-related conditions. ClinVar contains an entry for this variant (Variation ID: 936700). An algorithm developed to predict the effect of missense changes on protein structure and function (PolyPhen-2) suggests that this variant is likely to be tolerated. In summary, the available evidence is currently insufficient to determine the role of this variant in disease. Therefore, it has been classified as a Variant of Uncertain Significance.

NM_014231.5(VAMP1):c.307G>A (p.Ala103Thr)

Genes: TAPBPL (TAP binding protein like; plus strand), VAMP1 (vesicle associated membrane protein 1; minus strand). Cytogenetic location: 12p13.31.
Variant type: single nucleotide variant.
Coding change: c.307G>A on transcript NM_014231.5 (MANE Select); coding-DNA position 307, G replaced by A.
Protein change: p.Ala103Thr; replaces alanine 103 with threonine.
Molecular consequence: missense variant. On other transcripts: non-coding transcript variant (1).
Genome position (GRCh38, 1-based): chr12:6,464,923, C>T on the plus strand (G>A on the coding strand, the complement: VAMP1 is on the minus strand). VCF-style: chr12-6464923-C-T. GRCh37 (hg19) VCF-style: chr12-6574089-C-T.
Other names: c.307G>A, p.Ala103Thr (NM_001297438.2, NM_016830.4, NM_199245.3); short protein forms A103T.
Identifiers: ClinVar variation 936700 (VCV000936700.7), dbSNP rs772852206, ClinGen allele CA6407622.